The following is an entry in ClinVar:

NM_014956.5(CEP164):c.4185G>A (p.Gln1395=)

Gene: CEP164 (centrosomal protein 164; plus strand). Cytogenetic location: 11q23.3.
Variant type: single nucleotide variant.
Coding change: c.4185G>A on transcript NM_014956.5 (MANE Select); coding-DNA position 4185, G replaced by A.
Protein change: p.Gln1395=; no amino-acid change (glutamine 1395 retained).
Molecular consequence: synonymous variant.
Genome position (GRCh38, 1-based): chr11:117,411,816, G>A. VCF-style: chr11-117411816-G-A. GRCh37 (hg19) VCF-style: chr11-117282532-G-A.
Other names: c.4170G>A, p.Gln1390= (NM_001271933.2); c.4191G>A, p.Gln1397= (NM_001440949.1); c.4185G>A, p.Gln1395= (NM_001440950.1, NM_001440951.1); c.4176G>A, p.Gln1392= (NM_001440952.1); c.4161G>A, p.Gln1387= (NM_001440953.1); c.4107G>A, p.Gln1369= (NM_001440954.1, NM_001440955.1); c.4098G>A, p.Gln1366= (NM_001440956.1); c.4095G>A, p.Gln1365= (NM_001440957.1); and 21 more.
Identifiers: ClinVar variation 4986115 (VCV004986115.1).

ClinVar aggregate classification (germline): Likely benign (1 of 4 stars; one submission).

Conditions:
CEP164-related disorder. Also called: CEP164-related condition.

gnomAD v4.1: 1 of 1,614,138 alleles (0.000062%); highest among the groups gnomAD compares: East Asian, 0.0022%; no homozygotes.

Submission:

PreventionGenetics, part of Exact Sciences
Classification: Likely benign for CEP164-related condition. Last evaluated: 2026-06-29. Review status: criteria provided, single submitter. Criteria: ACMG Guidelines, 2015. Collection method: clinical testing. Allele origin: germline.
Comment: This variant is classified as likely benign based on ACMG/AMP sequence variant interpretation guidelines (Richards et al. 2015 PMID: 25741868, with internal and published modifications).